The following is an entry in ClinVar:

ClinVar aggregate classification (germline): Uncertain significance (1 of 4 stars; one submission).

Conditions:
Hereditary cancer-predisposing syndrome. Also called: Hereditary Cancer Syndrome; Hereditary neoplastic syndrome; Neoplastic Syndromes, Hereditary; Tumor predisposition. Identifiers: Orphanet 140162, MedGen C0027672, MeSH D009386, MONDO:0015356.

Submission:

Ambry Genetics
Classification: Uncertain significance for Hereditary cancer-predisposing syndrome. Last evaluated: 2022-06-09. Review status: criteria provided, single submitter. Criteria: Ambry Variant Classification Scheme 2023. Collection method: clinical testing. Allele origin: germline.
Comment: The p.T1458N variant (also known as c.4373C>A), located in coding exon 30 of the SMARCA4 gene, results from a C to A substitution at nucleotide position 4373. The threonine at codon 1458 is replaced by asparagine, an amino acid with similar properties. This amino acid position is not well conserved in available vertebrate species. In addition, this alteration is predicted to be tolerated by in silico analysis. Missense and in-frame variants in SMARCA4 are known to cause neurodevelopmental disorders; however, such associations with rhabdoid tumor predisposition syndrome including small cell carcinoma of the ovary-hypercalcemic type (SCCOHT) are exceedingly rare (Kosho T et al. Am J Med Genet C Semin Med Genet. 2014 Sep;166C(3):262-75; Jelinic P et al. Nat Genet. 2014 May;46(5):424-6). Based on the supporting evidence, the association of this alteration with Coffin-Siris syndrome is unknown; however, the association of this alteration with rhabdoid tumor predisposition syndrome is unlikely.

NM_003072.5(SMARCA4):c.4277C>A (p.Thr1426Asn)

Gene: SMARCA4 (SWI/SNF related BAF chromatin remodeling complex subunit ATPase 4; plus strand). Cytogenetic location: 19p13.2.
Variant type: single nucleotide variant.
Coding change: c.4277C>A on transcript NM_003072.5 (MANE Select); coding-DNA position 4277, C replaced by A.
Protein change: p.Thr1426Asn; replaces threonine 1426 with asparagine.
Molecular consequence: missense variant. On other transcripts: non-coding transcript variant (1).
Genome position (GRCh38, 1-based): chr19:11,041,413, C>A. VCF-style: chr19-11041413-C-A. GRCh37 (hg19) VCF-style: chr19-11152089-C-A.
Other names: c.4277C>A, p.Thr1426Asn (NM_001128844.3); c.4187C>A, p.Thr1396Asn (NM_001128845.2, NM_001128846.2); c.4178C>A, p.Thr1393Asn (NM_001128847.4, NM_001128848.2, NM_001374457.1); c.4373C>A, p.Thr1458Asn (NM_001128849.3, NM_001387283.1); c.4274C>A, p.Thr1425Asn (NM_001411150.1); short protein forms T1396N, T1425N, T1458N, T1393N, T1426N.
Identifiers: ClinVar variation 1740104 (VCV001740104.2), dbSNP rs1334955221, ClinGen allele CA404073505.
Genomic context (GRCh38, chr19:11,041,413, plus strand): 5'-AGAAGAAATCATCACGGAAGCGCAAGCGAGACAGCGACGCCGGCTCCTCCACCCCGACCA[C>A]CAGCACCCGCAGCCGCGACAAGGACGACGAGAGCAAGAAGCAGAAGAAGCGCGGGCGGCC-3'
Protein context (NP_003063.2, residues 1416-1436): DSDAGSSTPT[Thr1426Asn]STRSRDKDDE